The following is an entry in ClinVar:

NM_000551.4(VHL):c.555C>A (p.Tyr185Ter)

Genes: VHL (von Hippel-Lindau tumor suppressor; plus strand), LOC107303340 (3p25 von Hippel-Lindau tumor suppressor, E3 ubiquitin protein ligase Alu-mediated recombination region; plus strand). Cytogenetic location: 3p25.3.
Variant type: single nucleotide variant.
Coding change: c.555C>A on transcript NM_000551.4 (MANE Select); coding-DNA position 555, C replaced by A.
Protein change: p.Tyr185Ter; replaces tyrosine 185 with a stop codon.
Molecular consequence: nonsense. On other transcripts: 3 prime UTR variant (1), non-coding transcript variant (1).
Genome position (GRCh38, 1-based): chr3:10,149,878, C>A. VCF-style: chr3-10149878-C-A. GRCh37 (hg19) VCF-style: chr3-10191562-C-A.
Other names: c.*109C>A (NM_001354723.2); c.432C>A, p.Tyr144Ter (NM_198156.3); short protein forms Y144*, Y185*.
Identifiers: ClinVar variation 2925348 (VCV002925348.3), dbSNP rs864622109, ClinGen allele CA351756378.

ClinVar aggregate classification (germline): Pathogenic (1 of 4 stars; one submission).

Conditions:
Von Hippel-Lindau syndrome (VHLS). Also called: Von Hippel-Lindau; von Hippel–Lindau syndrome; VHL syndrome. Identifiers: Orphanet 892, MedGen C0019562, MONDO:0008667, OMIM 193300. Disease mechanism: loss of function.
Chuvash polycythemia. Also called: POLYCYTHEMIA, VHL-DEPENDENT. Identifiers: Orphanet 238557, MedGen C1837915, MONDO:0009892, OMIM 263400.

Submission:

Labcorp Genetics (formerly Invitae), Labcorp
Classification: Pathogenic for Von Hippel-Lindau syndrome; Chuvash polycythemia. Last evaluated: 2023-02-05. Review status: criteria provided, single submitter. Criteria: Invitae Variant Classification Sherloc (09022015). Collection method: clinical testing. Allele origin: germline.
Comment: This variant disrupts a region of the VHL protein in which other variant(s) (p.Leu188Val) have been determined to be pathogenic (PMID: 7563486, 7987306, 8772572, 19228690, 23772956). This suggests that this is a clinically significant region of the protein, and that variants that disrupt it are likely to be disease-causing. This premature translational stop signal has been observed in individual(s) with clinical features of von Hippel-Lindau disease (PMID: 23298237, 33720516). This variant is not present in population databases (gnomAD no frequency). This sequence change creates a premature translational stop signal (p.Tyr185*) in the VHL gene. While this is not anticipated to result in nonsense mediated decay, it is expected to disrupt the last 29 amino acid(s) of the VHL protein. For these reasons, this variant has been classified as Pathogenic.

Literature cited by the submitters: PubMed 7563486; PubMed 7987306; PubMed 8772572; PubMed 19228690; PubMed 23772956; PubMed 23298237; PubMed 33720516.